The following is an entry in ClinVar:

NM_001322934.2(NFKB2):c.921G>A (p.Leu307=)

Gene: NFKB2 (nuclear factor kappa B subunit 2; plus strand). Cytogenetic location: 10q24.32.
Variant type: single nucleotide variant.
Coding change: c.921G>A on transcript NM_001322934.2 (MANE Select); coding-DNA position 921, G replaced by A.
Protein change: p.Leu307=; no amino-acid change (leucine 307 retained).
Molecular consequence: synonymous variant.
Genome position (GRCh38, 1-based): chr10:102,398,453, G>A. VCF-style: chr10-102398453-G-A. GRCh37 (hg19) VCF-style: chr10-104158210-G-A.
Other names: c.921G>A, p.Leu307= (NM_001077494.3, NM_001261403.3, NM_001288724.1 and 3 more transcripts).
Identifiers: ClinVar variation 541637 (VCV000541637.49), dbSNP rs146926941, ClinGen allele CA5664678.

ClinVar aggregate classification (germline): Benign/Likely benign. Review status: criteria provided, multiple submitters, no conflicts (2 of 4 stars). 7 submissions from 7 submitters: Benign (2); Likely benign (3). 2 of the submissions do not count toward it. Last evaluated 2026-04-06.

Conditions:
Immunodeficiency, common variable, 10. Also called: DEFICIT IN ANTERIOR PITUITARY FUNCTION AND VARIABLE IMMUNODEFICIENCY; IMMUNODEFICIENCY, COMMON VARIABLE, WITH CENTRAL ADRENAL INSUFFICIENCY. Identifiers: MedGen C3809991, MONDO:0014260, OMIM 615577.

Allele frequency attached by ClinVar (database versions not stated): 1000 Genomes Project 0.00040; 1000 Genomes Project 30x 0.00047; TOPMed 0.00047; ESP Exome Variant Server 0.00049; gnomAD exomes 0.00052; gnomAD 0.00062 and 0.00064; ExAC 0.00066.
gnomAD v4.1: 923 of 1,614,186 alleles (0.057%); highest among the groups gnomAD compares: Non-Finnish European, 0.07%; 2 homozygotes.

Submissions (7):

Women's Health and Genetics/Laboratory Corporation of America, LabCorp
Classification: Likely benign. Last evaluated: 2026-04-06. Review status: criteria provided, single submitter. Criteria: LabCorp Variant Classification Summary - May 2015. Collection method: clinical testing. Allele origin: germline.

Labcorp Genetics (formerly Invitae), Labcorp
Classification: Benign for Immunodeficiency, common variable, 10. Last evaluated: 2026-01-08. Review status: criteria provided, single submitter. Criteria: Invitae Variant Classification Sherloc (09022015). Collection method: clinical testing. Allele origin: germline.

CeGaT Center for Human Genetics Tuebingen
Classification: Likely benign. Last evaluated: 2025-07-01. Review status: criteria provided, single submitter. Criteria: CeGaT Center For Human Genetics Tuebingen Variant Classification Criteria Version 2. Collection method: clinical testing. Allele origin: germline. Affected: yes. Observed: 8 variant alleles.
Comment: NFKB2: BP4, BP7

Blueprint Genetics
Classification: Likely benign. Last evaluated: 2024-10-25. Review status: criteria provided, single submitter. Criteria: ACMG Guidelines, 2015. Collection method: clinical testing. Allele origin: germline.

ARUP Laboratories, Molecular Genetics and Genomics, ARUP Laboratories
Classification: Benign for Immunodeficiency, common variable, 10. Last evaluated: 2024-08-26. Review status: criteria provided, single submitter. Criteria: ARUP Molecular Germline Variant Investigation Process 2024. Collection method: clinical testing. Allele origin: germline.

Clinical Genetics DNA and cytogenetics Diagnostics Lab, Erasmus MC, Erasmus Medical Center
Classification: Likely benign. Review status: no assertion criteria provided. Collection method: clinical testing. Allele origin: germline. Affected: yes. Study: VKGL Data-share Consensus. Not counted in ClinVar's aggregate classification.

Genome Diagnostics Laboratory, University Medical Center Utrecht
Classification: Likely benign. Review status: no assertion criteria provided. Collection method: clinical testing. Allele origin: germline. Affected: yes. Study: VKGL Data-share Consensus. Not counted in ClinVar's aggregate classification.